The following is an entry in ClinVar:

NM_133372.3(FNIP1):c.3088G>C (p.Asp1030His)

Gene: FNIP1 (folliculin interacting protein 1; minus strand). Cytogenetic location: 5q31.1.
Variant type: single nucleotide variant.
Coding change: c.3088G>C on transcript NM_133372.3 (MANE Select); coding-DNA position 3088, G replaced by C.
Protein change: p.Asp1030His; replaces aspartic acid 1030 with histidine.
Molecular consequence: missense variant.
Genome position (GRCh38, 1-based): chr5:131,670,483, C>G on the plus strand (G>C on the coding strand, the complement: FNIP1 is on the minus strand). VCF-style: chr5-131670483-C-G. GRCh37 (hg19) VCF-style: chr5-131006176-C-G.
Other names: c.3004G>C, p.Asp1002His (NM_001008738.3); c.2953G>C, p.Asp985His (NM_001346114.2); short protein forms D985H, D1002H, D1030H.
Identifiers: ClinVar variation 2168961 (VCV002168961.4), dbSNP rs748378994, ClinGen allele CA3400411.

ClinVar aggregate classification (germline): Uncertain significance (1 of 4 stars; one submission).

gnomAD v4.1: 12 of 1,610,548 alleles (0.00075%); highest among the groups gnomAD compares: South Asian, 0.013%; no homozygotes.

Submission:

Labcorp Genetics (formerly Invitae), Labcorp
Classification: Uncertain significance. Last evaluated: 2022-05-21. Review status: criteria provided, single submitter. Criteria: Invitae Variant Classification Sherloc (09022015). Collection method: clinical testing. Allele origin: germline.
Comment: In summary, the available evidence is currently insufficient to determine the role of this variant in disease. Therefore, it has been classified as a Variant of Uncertain Significance. Algorithms developed to predict the effect of missense changes on protein structure and function are either unavailable or do not agree on the potential impact of this missense change (SIFT: "Deleterious"; PolyPhen-2: "Probably Damaging"; Align-GVGD: "Class C0"). This variant has not been reported in the literature in individuals affected with FNIP1-related conditions. This variant is present in population databases (rs748378994, gnomAD 0.02%). This sequence change replaces aspartic acid, which is acidic and polar, with histidine, which is basic and polar, at codon 1030 of the FNIP1 protein (p.Asp1030His).